The following is an entry in ClinVar:

NM_000719.7(CACNA1C):c.2853+189A>G

Gene: CACNA1C (calcium voltage-gated channel subunit alpha1 C; plus strand). Cytogenetic location: 12p13.33.
Variant type: single nucleotide variant.
Coding change: c.2853+189A>G on transcript NM_000719.7 (MANE Select); 189 bases into the intron after coding-DNA position 2853, A replaced by G.
Molecular consequence: intron variant. On other transcripts: synonymous variant (11).
Genome position (GRCh38, 1-based): chr12:2,597,478, A>G. VCF-style: chr12-2597478-A-G. GRCh37 (hg19) VCF-style: chr12-2706644-A-G.
Other names: c.2895A>G, p.Thr965= (NM_001129827.2, NM_001129832.2, NM_199460.4); c.2835A>G, p.Thr945= (NM_001129830.3, NM_001129835.2, NM_001129836.2 and 5 more transcripts); c.2853+189A>G (NM_001167624.3, NM_001167623.2, NM_001167625.2 and 7 more transcripts); c.2844+189A>G (NM_001129844.2); c.2895A>G (NM_199460.3).
Identifiers: ClinVar variation 700429 (VCV000700429.23), dbSNP rs370050438, ClinGen allele CA6389080.
Genomic context (GRCh38, chr12:2,597,478, plus strand): 5'-AATTATGCTTATTTTTCAGATCCTAGGCAATGCAGACTATGTCTTCACTAGTATCTTTAC[A>G]TTAGAAATTATCCTTAAGGTAATGCAACCTGGGCAATGCATCCTCTGTCGCTTTCTTTGT-3'

ClinVar aggregate classification (germline): Likely benign. Review status: criteria provided, multiple submitters, no conflicts (2 of 4 stars). 4 submissions from 4 submitters: Likely benign (4). Last evaluated 2026-02-26.

Conditions:
Long QT syndrome (LQTS). Identifiers: MedGen C0023976, MeSH D008133, MONDO:0002442. Disease mechanism: loss of function. Inheritance: Various modes of inheritance.
CACNA1C-related disorder. Also called: CACNA1C-related disorders; CACNA1C-related condition. Identifiers: MedGen CN381092, MONDO:0700321.

Allele frequency attached by ClinVar (database versions not stated): gnomAD 0.00003 and 0.00004; ExAC 0.00005; TOPMed 0.00005; gnomAD exomes 0.00006; ESP Exome Variant Server 0.00010.
gnomAD v4.1: 98 of 1,605,530 alleles (0.0061%); highest among the groups gnomAD compares: Non-Finnish European, 0.0077%; no homozygotes.

Submissions (4):

PreventionGenetics, part of Exact Sciences
Classification: Likely benign for CACNA1C-related condition. Last evaluated: 2026-02-26. Review status: criteria provided, single submitter. Criteria: ACMG Guidelines, 2015. Collection method: clinical testing. Allele origin: germline.
Comment: This variant is classified as likely benign based on ACMG/AMP sequence variant interpretation guidelines (Richards et al. 2015 PMID: 25741868, with internal and published modifications).

Labcorp Genetics (formerly Invitae), Labcorp
Classification: Likely benign for Long QT syndrome. Last evaluated: 2026-01-10. Review status: criteria provided, single submitter. Criteria: Invitae Variant Classification Sherloc (09022015). Collection method: clinical testing. Allele origin: germline.

CeGaT Center for Human Genetics Tuebingen
Classification: Likely benign. Last evaluated: 2025-06-01. Review status: criteria provided, single submitter. Criteria: CeGaT Center For Human Genetics Tuebingen Variant Classification Criteria Version 2. Collection method: clinical testing. Allele origin: germline. Affected: yes. Observed: 1 variant allele.
Comment: CACNA1C: BP4, BP7

GeneDx
Classification: Likely benign. Last evaluated: 2018-11-27. Review status: criteria provided, single submitter. Criteria: GeneDx Variant Classification Process June 2021. Collection method: clinical testing. Allele origin: germline. Affected: yes.